The following is an entry in ClinVar:

ClinVar aggregate classification (germline): Likely benign. Review status: criteria provided, single submitter (1 of 4 stars). 2 submissions from 2 submitters: Likely benign (1). 1 of the submissions does not count toward it. Last evaluated 2025-10-12.

Conditions:
TNFRSF6B-related disorder. Also called: TNFRSF6B-related condition.

Allele frequency attached by ClinVar (database versions not stated): gnomAD exomes 0.00001; gnomAD 0.00009; TOPMed 0.00012.

Submissions (2):

Labcorp Genetics (formerly Invitae), Labcorp
Classification: Likely benign. Last evaluated: 2025-10-12. Review status: criteria provided, single submitter. Criteria: Invitae Variant Classification Sherloc (09022015). Collection method: clinical testing. Allele origin: germline.

PreventionGenetics, part of Exact Sciences
Classification: Likely benign for TNFRSF6B-related condition. Last evaluated: 2022-12-30. Review status: no assertion criteria provided. Collection method: clinical testing. Allele origin: germline. Not counted in ClinVar's aggregate classification.
Comment: This variant is classified as likely benign based on ACMG/AMP sequence variant interpretation guidelines (Richards et al. 2015 PMID: 25741868, with internal and published modifications).

NM_003823.4(TNFRSF6B):c.813G>A (p.Ala271=)

Genes: RTEL1-TNFRSF6B (RTEL1-TNFRSF6B readthrough (NMD candidate); plus strand), TNFRSF6B (TNF receptor superfamily member 6b; plus strand). Cytogenetic location: 20q13.33.
Variant type: single nucleotide variant.
Coding change: c.813G>A on transcript NM_003823.4 (MANE Select); coding-DNA position 813, G replaced by A.
Protein change: p.Ala271=; no amino-acid change (alanine 271 retained).
Molecular consequence: synonymous variant. On other transcripts: non-coding transcript variant (1).
Genome position (GRCh38, 1-based): chr20:63,698,473, G>A. VCF-style: chr20-63698473-G-A. GRCh37 (hg19) VCF-style: chr20-62329826-G-A.
Identifiers: ClinVar variation 3032358 (VCV003032358.4), dbSNP rs765128731, ClinGen allele CA9966626.